The following is an entry in ClinVar:

NM_001384732.1(CPLANE1):c.6064G>C (p.Ala2022Pro)

Gene: CPLANE1 (ciliogenesis and planar polarity effector complex subunit 1; minus strand). Cytogenetic location: 5p13.2.
Variant type: single nucleotide variant.
Coding change: c.6064G>C on transcript NM_001384732.1 (MANE Select); coding-DNA position 6064, G replaced by C.
Protein change: p.Ala2022Pro; replaces alanine 2022 with proline.
Molecular consequence: missense variant.
Genome position (GRCh38, 1-based): chr5:37,173,862, C>G on the plus strand (G>C on the coding strand, the complement: CPLANE1 is on the minus strand). VCF-style: chr5-37173862-C-G. GRCh37 (hg19) VCF-style: chr5-37173964-C-G.
Other names: c.6064G>C, p.Ala2022Pro (NM_023073.4); c.6064G>C (NM_023073.3); short protein forms A2022P.
Identifiers: ClinVar variation 2042414 (VCV002042414.3), dbSNP rs779755677, ClinGen allele CA3238348.

ClinVar aggregate classification (germline): Uncertain significance. Review status: criteria provided, multiple submitters, no conflicts (2 of 4 stars). 2 submissions from 2 submitters: Uncertain significance (2). Last evaluated 2025-03-25.

Conditions:
Orofaciodigital syndrome type 6 (OFD6). Also called: OROFACIODIGITAL SYNDROME VI; OFDS VI; POLYDACTYLY, CLEFT LIP/PALATE OR LINGUAL LUMP, AND PSYCHOMOTOR RETARDATION; VARADI SYNDROME; VARADI-PAPP SYNDROME; Oral-facial-digital syndrome type 6. Identifiers: Orphanet 2754, MedGen C2745997, MONDO:0010176, OMIM 277170.
Joubert syndrome 17 (JBTS17). Identifiers: Orphanet 475, MedGen C3553264, MONDO:0013824, OMIM 614615.

Allele frequency attached by ClinVar (database versions not stated): gnomAD 0.00001; gnomAD exomes 0.00001; ExAC 0.00002; TOPMed 0.00002.
gnomAD v4.1: 15 of 1,613,960 alleles (0.00093%); highest among the groups gnomAD compares: Admixed American, 0.0033%; no homozygotes.

Submissions (2):

Labcorp Genetics (formerly Invitae), Labcorp
Classification: Uncertain significance. Last evaluated: 2025-03-25. Review status: criteria provided, single submitter. Criteria: Invitae Variant Classification Sherloc (09022015). Collection method: clinical testing. Allele origin: germline.
Comment: This sequence change replaces alanine, which is neutral and non-polar, with proline, which is neutral and non-polar, at codon 2022 of the CPLANE1 protein (p.Ala2022Pro). This variant is present in population databases (rs779755677, gnomAD 0.005%). This variant has not been reported in the literature in individuals affected with CPLANE1-related conditions. ClinVar contains an entry for this variant (Variation ID: 2042414). Invitae Evidence Modeling of protein sequence and biophysical properties (such as structural, functional, and spatial information, amino acid conservation, physicochemical variation, residue mobility, and thermodynamic stability) indicates that this missense variant is not expected to disrupt CPLANE1 protein function with a negative predictive value of 95%. In summary, the available evidence is currently insufficient to determine the role of this variant in disease. Therefore, it has been classified as a Variant of Uncertain Significance.

Fulgent Genetics
Classification: Uncertain significance for Orofaciodigital syndrome type 6; Joubert syndrome 17. Last evaluated: 2024-06-11. Review status: criteria provided, single submitter. Criteria: ACMG Guidelines, 2015. Collection method: clinical testing. Allele origin: germline.